The following is an entry in ClinVar:

NM_013447.4(ADGRE2):c.2096A>G (p.Asn699Ser)

Gene: ADGRE2 (adhesion G protein-coupled receptor E2; minus strand). Cytogenetic location: 19p13.12.
Variant type: single nucleotide variant.
Coding change: c.2096A>G on transcript NM_013447.4 (MANE Select); coding-DNA position 2096, A replaced by G.
Protein change: p.Asn699Ser; replaces asparagine 699 with serine.
Molecular consequence: missense variant.
Genome position (GRCh38, 1-based): chr19:14,746,319, T>C on the plus strand (A>G on the coding strand, the complement: ADGRE2 is on the minus strand). VCF-style: chr19-14746319-T-C. GRCh37 (hg19) VCF-style: chr19-14857131-T-C.
Other names: c.1922A>G, p.Asn641Ser (NM_001271052.1); c.1949A>G, p.Asn650Ser (NM_152916.2); c.1817A>G, p.Asn606Ser (NM_152917.2); short protein forms N606S, N650S, N699S, N641S.
Identifiers: ClinVar variation 4719505 (VCV004719505.1).

ClinVar aggregate classification (germline): Uncertain significance (1 of 4 stars; one submission).

Submission:

Labcorp Genetics (formerly Invitae), Labcorp
Classification: Uncertain significance. Last evaluated: 2025-05-13. Review status: criteria provided, single submitter. Criteria: Invitae Variant Classification Sherloc (09022015). Collection method: clinical testing. Allele origin: germline.
Comment: This sequence change replaces asparagine, which is neutral and polar, with serine, which is neutral and polar, at codon 699 of the ADGRE2 protein (p.Asn699Ser). This variant is not present in population databases (gnomAD no frequency). This variant has not been reported in the literature in individuals affected with ADGRE2-related conditions. An algorithm developed to predict the effect of missense changes on protein structure and function (PolyPhen-2) suggests that this variant is likely to be disruptive. Algorithms developed to predict the effect of sequence changes on RNA splicing suggest that this variant may disrupt the consensus splice site. In summary, the available evidence is currently insufficient to determine the role of this variant in disease. Therefore, it has been classified as a Variant of Uncertain Significance.